The following is an entry in ClinVar:

ClinVar aggregate classification (germline): Uncertain significance (1 of 4 stars; one submission).

Submission:

Clinical Genomics Laboratory, Washington University in St. Louis
Classification: Uncertain significance. Last evaluated: 2025-12-15. Review status: criteria provided, single submitter. Criteria: ACMG Guidelines, 2015. Collection method: clinical testing. Allele origin: germline.
Comment: The TLR9 c.2488_2493del (p.Leu830_Gly831del) variant, to our knowledge, has not been reported in the medical literature. This variant is absent from the general population (gnomAD v4.1.0), indicating it is not a common variant. This variant is predicted to cause a change in the length of the protein due to an in-frame deletion of two amino acids in a non-repeat region. Due to limited information, the clinical significance of this variant is uncertain.

NM_017442.4(TLR9):c.2488_2493del (p.828LG[1])

Gene: TLR9 (toll like receptor 9; minus strand). Cytogenetic location: 3p21.2.
Variant type: Deletion.
Coding change: c.2488_2493del on transcript NM_017442.4 (MANE Select); coding-DNA positions 2488 to 2493, 6 bases deleted (CTGGGT; older notation c.2488_2493delCTGGGT).
Protein change: p.828LG[1].
Molecular consequence: inframe deletion.
Genome position (GRCh38, 1-based): chr3:52,221,823-52,221,828, ACCCAG deleted on the plus strand (CTGGGT on the coding strand, the reverse complement: TLR9 is on the minus strand). VCF-style (leftmost placement, unchanged base first): chr3-52221822-CACCCAG-C. GRCh37 (hg19) VCF-style: chr3-52255838-CACCCAG-C.
Identifiers: ClinVar variation 4879550 (VCV004879550.1).